The following is an entry in ClinVar:

NM_001367549.1(ATP13A3):c.333A>G (p.Ala111=)

Gene: ATP13A3 (ATPase 13A3; minus strand). Cytogenetic location: 3q29.
Variant type: single nucleotide variant.
Coding change: c.333A>G on transcript NM_001367549.1 (MANE Select); coding-DNA position 333, A replaced by G.
Protein change: p.Ala111=; no amino-acid change (alanine 111 retained).
Molecular consequence: synonymous variant. On other transcripts: non-coding transcript variant (2).
Genome position (GRCh38, 1-based): chr3:194,459,864, T>C on the plus strand (A>G on the coding strand, the complement: ATP13A3 is on the minus strand). VCF-style: chr3-194459864-T-C. GRCh37 (hg19) VCF-style: chr3-194180593-T-C.
Other names: c.333A>G, p.Ala111= (NM_001374836.1, NM_024524.4).
Identifiers: ClinVar variation 3251051 (VCV003251051.18), dbSNP rs748400915.

ClinVar aggregate classification (germline): Likely benign (1 of 4 stars; one submission).

Allele frequency attached by ClinVar (database versions not stated): gnomAD exomes below 0.00001; ExAC 0.00001.
gnomAD v4.1: 2 of 1,613,628 alleles (0.00012%); highest among the groups gnomAD compares: South Asian, 0.0011%; no homozygotes.

Submission:

CeGaT Center for Human Genetics Tuebingen
Classification: Likely benign. Last evaluated: 2024-06-01. Review status: criteria provided, single submitter. Criteria: CeGaT Center For Human Genetics Tuebingen Variant Classification Criteria Version 2. Collection method: clinical testing. Allele origin: germline. Affected: yes. Observed: 1 variant allele.
Comment: ATP13A3: BP4, BP7